The following is an entry in ClinVar:

ClinVar aggregate classification (germline): Uncertain significance (1 of 4 stars; one submission).

Conditions:
Charcot-Marie-Tooth disease type 2. Also called: Charcot-Marie-Tooth type 2. Identifiers: Orphanet 64746, MedGen C0270914, MONDO:0018993.

Submission:

Labcorp Genetics (formerly Invitae), Labcorp
Classification: Uncertain significance for Charcot-Marie-Tooth disease type 2. Last evaluated: 2025-02-15. Review status: criteria provided, single submitter. Criteria: Invitae Variant Classification Sherloc (09022015). Collection method: clinical testing. Allele origin: germline.
Comment: This sequence change replaces alanine, which is neutral and non-polar, with aspartic acid, which is acidic and polar, at codon 605 of the LMNA protein (p.Ala605Asp). This variant is not present in population databases (gnomAD no frequency). This variant has not been reported in the literature in individuals affected with LMNA-related conditions. ClinVar contains an entry for this variant (Variation ID: 2111722). Invitae Evidence Modeling of protein sequence and biophysical properties (such as structural, functional, and spatial information, amino acid conservation, physicochemical variation, residue mobility, and thermodynamic stability) has been performed for this missense variant. However, the output from this modeling did not meet the statistical confidence thresholds required to predict the impact of this variant on LMNA protein function. In summary, the available evidence is currently insufficient to determine the role of this variant in disease. Therefore, it has been classified as a Variant of Uncertain Significance.

NM_170707.4(LMNA):c.1814C>A (p.Ala605Asp)

Gene: LMNA (lamin A/C; plus strand). Cytogenetic location: 1q22.
Variant type: single nucleotide variant.
Coding change: c.1814C>A on transcript NM_170707.4 (MANE Select); coding-DNA position 1814, C replaced by A.
Protein change: p.Ala605Asp; replaces alanine 605 with aspartic acid.
Molecular consequence: missense variant.
Genome position (GRCh38, 1-based): chr1:156,138,603, C>A. VCF-style: chr1-156138603-C-A. GRCh37 (hg19) VCF-style: chr1-156108394-C-A.
Other names: c.1478C>A, p.Ala493Asp (NM_001257374.3, NM_001406989.1); c.1814C>A, p.Ala605Asp (NM_001282626.2, NM_001406983.1, NM_001406985.1 and 1 more transcripts); c.1256C>A, p.Ala419Asp (NM_001406995.1, NM_001406996.1, NM_001406997.1 and 2 more transcripts); c.1190C>A, p.Ala397Asp (NM_001406999.1, NM_001407000.1, NM_001407001.1 and 1 more transcripts); c.1724C>A, p.Ala575Asp (NM_170708.4); c.1571C>A, p.Ala524Asp (NM_001406986.1, NM_001406987.1); c.1517C>A, p.Ala506Asp (NM_001406988.1); short protein forms A524D, A493D, A506D, A397D, A419D, A575D, A605D.
Identifiers: ClinVar variation 2111722 (VCV002111722.4), dbSNP rs1651866275, ClinGen allele CA342827022.